The following is an entry in ClinVar:

NM_001256789.3(CACNA1F):c.2928+3A>G

Gene: CACNA1F (calcium voltage-gated channel subunit alpha1 F; minus strand). Cytogenetic location: Xp11.23.
Variant type: single nucleotide variant.
Coding change: c.2928+3A>G on transcript NM_001256789.3 (MANE Select); 3 bases into the intron after coding-DNA position 2928, A replaced by G.
Molecular consequence: intron variant.
Genome position (GRCh38, 1-based): chrX:49,218,452, T>C on the plus strand (A>G on the coding strand, the complement: CACNA1F is on the minus strand). VCF-style: chrX-49218452-T-C. GRCh37 (hg19) VCF-style: chrX-49074911-T-C.
Other names: c.2961+3A>G (NM_005183.4); c.2766+3A>G (NM_001256790.3).
Identifiers: ClinVar variation 1034611 (VCV001034611.6), dbSNP rs113600574, ClinGen allele CA329140981.

ClinVar aggregate classification (germline): Uncertain significance (1 of 4 stars; one submission).

Submission:

Labcorp Genetics (formerly Invitae), Labcorp
Classification: Uncertain significance. Last evaluated: 2020-10-24. Review status: criteria provided, single submitter. Criteria: Invitae Variant Classification Sherloc (09022015). Collection method: clinical testing. Allele origin: germline.
Comment: In summary, the available evidence is currently insufficient to determine the role of this variant in disease. Therefore, it has been classified as a Variant of Uncertain Significance. Nucleotide substitutions within the consensus splice site are a relatively common cause of aberrant splicing (PMID: 17576681, 9536098). Algorithms developed to predict the effect of sequence changes on RNA splicing suggest that this variant may disrupt the consensus splice site, but this prediction has not been confirmed by published transcriptional studies. This variant has not been reported in the literature in individuals with CACNA1F-related conditions. This variant is not present in population databases (ExAC no frequency). This sequence change falls in intron 24 of the CACNA1F gene. It does not directly change the encoded amino acid sequence of the CACNA1F protein. It affects a nucleotide within the consensus splice site of the intron.

Literature cited by the submitters: PubMed 17576681; PubMed 9536098.